The following is an entry in ClinVar:

NM_024996.7(GFM1):c.362_367delinsTT (p.Thr121fs)

Gene: GFM1 (G elongation factor mitochondrial 1; plus strand). Cytogenetic location: 3q25.32.
Variant type: Indel.
Coding change: c.362_367delinsTT on transcript NM_024996.7 (MANE Select); coding-DNA positions 362 to 367, CTCCTG replaced by TT.
Protein change: p.Thr121fs; shifts the reading frame from threonine 121.
Molecular consequence: frameshift variant. On other transcripts: non-coding transcript variant (3), intron variant (4).
Genome position (GRCh38, 1-based): chr3:158,646,292-158,646,297, CTCCTG replaced by TT. VCF-style: chr3-158646292-CTCCTG-TT. GRCh37 (hg19) VCF-style: chr3-158364081-CTCCTG-TT.
Other names: c.362_367delinsTT, p.Thr121fs (NM_001308164.2, NM_001308166.2, NM_001374355.1 and 1 more transcripts); c.137_142delinsTT, p.Thr46fs (NM_001374357.1); c.5+511_5+516delinsTT (NM_001374359.1, NM_001374360.1, NM_001374361.1); c.234+511_234+516delinsTT (NM_001374358.1); c.362_367delCTCCTGinsTT (NM_024996.5); short protein forms T121fs, T46fs.
Identifiers: ClinVar variation 2675901 (VCV002675901.3), dbSNP rs2473938735, ClinGen allele CA2695199324.

ClinVar aggregate classification (germline): Likely pathogenic (1 of 4 stars; one submission).

Conditions:
Hepatoencephalopathy due to combined oxidative phosphorylation defect type 1. Also called: HEPATOENCEPHALOPATHY, EARLY FATAL PROGRESSIVE. Identifiers: Orphanet 137681, MedGen C1836797, MONDO:0012191, OMIM 609060.

Submission:

Natera, Inc.
Classification: Likely pathogenic for Combined oxidative phosphorylation deficiency 1. Last evaluated: 2025-03-11. Review status: criteria provided, single submitter. Criteria: Natera Variant Classification Schema (03/2026). Collection method: clinical testing. Allele origin: germline.
Comment: The c.362_367delCTCCTGinsTT variant in GFM1 is a frameshift variant predicted to shift the reading frame beginning at codon 121 and leads to a stop codon 8 codons downstream. This variant is expected to result in nonsense mediated decay, truncation, or a dysfunctional protein product. This variant is rare in the general population with a frequency below the threshold expected for the associated phenotype(s). Given the available evidence, this variant is classified as Likely Pathogenic.